The following is an entry in ClinVar:

ClinVar aggregate classification (germline): Likely benign (1 of 4 stars; one submission).

Submission:

CeGaT Center for Human Genetics Tuebingen
Classification: Likely benign. Last evaluated: 2026-01-01. Review status: criteria provided, single submitter. Criteria: CeGaT Center For Human Genetics Tuebingen Variant Classification Criteria Version 2. Collection method: clinical testing. Allele origin: germline. Affected: yes. Observed: 1 variant allele.
Comment: DYNC1H1: PM2:Supporting, BP4, BP7

NM_001376.5(DYNC1H1):c.5031A>T (p.Ser1677=)

Gene: DYNC1H1 (dynein cytoplasmic 1 heavy chain 1; plus strand). Cytogenetic location: 14q32.31.
Variant type: single nucleotide variant.
Coding change: c.5031A>T on transcript NM_001376.5 (MANE Select); coding-DNA position 5031, A replaced by T.
Protein change: p.Ser1677=; no amino-acid change (serine 1677 retained).
Molecular consequence: synonymous variant.
Genome position (GRCh38, 1-based): chr14:102,004,665, A>T. VCF-style: chr14-102004665-A-T. GRCh37 (hg19) VCF-style: chr14-102471002-A-T.
Identifiers: ClinVar variation 4823021 (VCV004823021.4).